The following is an entry in ClinVar:

NM_015374.3(SUN2):c.460C>T (p.Arg154Trp)

Gene: SUN2 (Sad1 and UNC84 domain containing 2; minus strand). Cytogenetic location: 22q13.1.
Variant type: single nucleotide variant.
Coding change: c.460C>T on transcript NM_015374.3 (MANE Select); coding-DNA position 460, C replaced by T.
Protein change: p.Arg154Trp; replaces arginine 154 with tryptophan.
Molecular consequence: missense variant.
Genome position (GRCh38, 1-based): chr22:38,750,285, G>A on the plus strand (C>T on the coding strand, the complement: SUN2 is on the minus strand). VCF-style: chr22-38750285-G-A. GRCh37 (hg19) VCF-style: chr22-39146290-G-A.
Other names: c.523C>T, p.Arg175Trp (NM_001199579.2); c.460C>T, p.Arg154Trp (NM_001199580.2); short protein forms R175W, R154W.
Identifiers: ClinVar variation 835412 (VCV000835412.8), dbSNP rs150906372, ClinGen allele CA10235922.

ClinVar aggregate classification (germline): Uncertain significance. Review status: criteria provided, multiple submitters, no conflicts (2 of 4 stars). 2 submissions from 2 submitters: Uncertain significance (2). Last evaluated 2025-04-11.

Conditions:
Emery-Dreifuss muscular dystrophy (EDMD). Also called: Scapuloperoneal syndrome, X-linked (formerly); Humeroperoneal neuromuscular disease, (formerly). Identifiers: Orphanet 261, MedGen C0410189, MONDO:0016830.

Allele frequency attached by ClinVar (database versions not stated): TOPMed 0.00011; ESP Exome Variant Server 0.00023.

Submissions (2):

Labcorp Genetics (formerly Invitae), Labcorp
Classification: Uncertain significance for Emery-Dreifuss muscular dystrophy. Last evaluated: 2025-04-11. Review status: criteria provided, single submitter. Criteria: Invitae Variant Classification Sherloc (09022015). Collection method: clinical testing. Allele origin: germline.
Comment: This sequence change replaces arginine, which is basic and polar, with tryptophan, which is neutral and slightly polar, at codon 154 of the SUN2 protein (p.Arg154Trp). This variant is present in population databases (rs150906372, gnomAD 0.02%). This variant has not been reported in the literature in individuals affected with SUN2-related conditions. ClinVar contains an entry for this variant (Variation ID: 835412). An algorithm developed to predict the effect of missense changes on protein structure and function (PolyPhen-2) suggests that this variant is likely to be tolerated. In summary, the available evidence is currently insufficient to determine the role of this variant in disease. Therefore, it has been classified as a Variant of Uncertain Significance.

Ambry Genetics
Classification: Uncertain significance. Last evaluated: 2024-11-10. Review status: criteria provided, single submitter. Criteria: Ambry Variant Classification Scheme 2023. Collection method: clinical testing. Allele origin: germline.